The following is an entry in ClinVar:

NM_007294.4(BRCA1):c.5468-2A>T

Gene: BRCA1 (BRCA1 DNA repair associated; minus strand). Cytogenetic location: 17q21.31.
Variant type: single nucleotide variant.
Coding change: c.5468-2A>T on transcript NM_007294.4 (MANE Select); the canonical splice acceptor site of the intron before coding-DNA position 5468, A replaced by T.
Molecular consequence: splice acceptor variant.
Genome position (GRCh38, 1-based): chr17:43,045,804, T>A on the plus strand (A>T on the coding strand, the complement: BRCA1 is on the minus strand). VCF-style: chr17-43045804-T-A. GRCh37 (hg19) VCF-style: chr17-41197821-T-A.
Other names: c.2015-2A>T (NM_001408467.1, NM_001408459.1, NM_001408462.1 and 7 more transcripts); c.5250-2A>T (NM_001407945.1, NM_001407943.1, NM_001407944.1); c.5324-2A>T (NM_001407736.1, NM_001407741.1, NM_001407747.1 and 18 more transcripts); c.5327-2A>T (NM_007297.4, NM_001407724.1, NM_001407697.1 and 12 more transcripts); c.1955-2A>T (NM_001408475.1, NM_001408476.1); c.5261-2A>T (NM_001407875.1, NM_001407874.1); c.5384-2A>T (NM_001407659.1, NM_001407662.1, NM_001407660.1 and 2 more transcripts); c.2078-2A>T (NM_001408412.1, NM_001408414.1, NM_001408415.1 and 2 more transcripts); and 83 more.
Identifiers: ClinVar variation 267606 (VCV000267606.11), dbSNP rs398122699, ClinGen allele CA10590411.

ClinVar aggregate classification (germline): Pathogenic/Likely pathogenic. Review status: criteria provided, multiple submitters, no conflicts (2 of 4 stars). 2 submissions from 2 submitters: Pathogenic (1); Likely pathogenic (1). Last evaluated 2019-05-06.

Conditions:
Hereditary cancer-predisposing syndrome. Also called: Hereditary Cancer Syndrome; Neoplastic Syndromes, Hereditary; Hereditary neoplastic syndrome; Tumor predisposition. Identifiers: Orphanet 140162, MedGen C0027672, MeSH D009386, MONDO:0015356.
Breast-ovarian cancer, familial, susceptibility to, 1 (BROVCA1). Also called: BRCA1 Hereditary Breast and Ovarian Cancer; OVARIAN CANCER, SUSCEPTIBILITY TO. Identifiers: Orphanet 145, MedGen C2676676, MONDO:0011450, OMIM 604370. Disease mechanism: loss of function.

Submissions (3):

Ambry Genetics
Classification: Likely pathogenic for Hereditary cancer-predisposing syndrome. Last evaluated: 2019-05-06. Review status: criteria provided, single submitter. Criteria: Ambry Variant Classification Scheme 2023. Collection method: clinical testing. Allele origin: germline.
Comment: The c.5468-2A>T intronic variant results from an A to T substitution two nucleotides upstream from coding exon 22 in the BRCA1 gene. This nucleotide position is highly conserved in available vertebrate species. This alteration has been identified in breast cancer patients screened for BRCA1/2 mutations (Rashid MU et al. BMC Cancer. 2016 08;16:673; Rebbeck TR et al. Hum. Mutat. 2018 05;39:593-620). One functional study found that this nucleotide substitution is deleterious in a high throughput genome editing haploid cell survival assay (Findlay GM et al. Nature. 2018 10;562:217-222). In addition to the clinical data presented in the literature, alterations that disrupt the canonical splice site are expected to cause aberrant splicing, resulting in an abnormal protein or a transcript that is subject to nonsense-mediated mRNA decay. As such, this alteration is classified as likely pathogenic.

Consortium of Investigators of Modifiers of BRCA1/2 (CIMBA), c/o University of Cambridge
Classification: Pathogenic for Breast-ovarian cancer, familial, susceptibility to, 1. Last evaluated: 2015-10-02. Review status: criteria provided, single submitter. Criteria: CIMBA Mutation Classification guidelines May 2016. Collection method: clinical testing. Allele origin: germline.

Brotman Baty Institute, University of Washington
No classification provided (evidence only). Condition: Breast-ovarian cancer, familial 1. Review status: no classification provided. Collection method: in vitro. Allele origin: not applicable. Functional consequence: functionally_abnormal. Not counted in ClinVar's aggregate classification.
ClinVar note: "not provided" was previously submitted as the classification for the variant. However, the classification appeared to be based only on an observation of functional data so it was converted to no classification on 2025-07-30.

Literature cited by the submitters: PubMed 27553291 (cited by Ambry Genetics); PubMed 29446198 (cited by Ambry Genetics); PubMed 30209399 (cited by Ambry Genetics).